The following is an entry in ClinVar:

NM_005853.6(IRX5):c.1145C>G (p.Pro382Arg)

Gene: IRX5 (iroquois homeobox 5; plus strand). Cytogenetic location: 16q12.2.
Variant type: single nucleotide variant.
Coding change: c.1145C>G on transcript NM_005853.6 (MANE Select); coding-DNA position 1145, C replaced by G.
Protein change: p.Pro382Arg; replaces proline 382 with arginine.
Molecular consequence: missense variant.
Genome position (GRCh38, 1-based): chr16:54,933,566, C>G. VCF-style: chr16-54933566-C-G. GRCh37 (hg19) VCF-style: chr16-54967478-C-G.
Other names: c.1142C>G, p.Pro381Arg (NM_001252197.1); short protein forms P381R, P382R.
Identifiers: ClinVar variation 714702 (VCV000714702.31), dbSNP rs202086902, ClinGen allele CA8059336.

ClinVar aggregate classification (germline): Benign/Likely benign. Review status: criteria provided, multiple submitters, no conflicts (2 of 4 stars). 4 submissions from 4 submitters: Benign (3); Likely benign (1). Last evaluated 2025-10-01.

Conditions:
IRX5-related disorder. Also called: IRX5-related condition.

Allele frequency attached by ClinVar (database versions not stated): gnomAD exomes 0.00075; ExAC 0.00085; ESP Exome Variant Server 0.00211; gnomAD 0.00252; 1000 Genomes Project 0.00300; TOPMed 0.00305; 1000 Genomes Project 30x 0.00312.
gnomAD v4.1: 966 of 1,608,500 alleles (0.06%); highest among the groups gnomAD compares: African/African-American, 0.98%; 5 homozygotes.

Submissions (4):

CeGaT Center for Human Genetics Tuebingen
Classification: Likely benign. Last evaluated: 2025-10-01. Review status: criteria provided, single submitter. Criteria: CeGaT Center For Human Genetics Tuebingen Variant Classification Criteria Version 2. Collection method: clinical testing. Allele origin: germline. Affected: yes. Observed: 3 variant alleles.
Comment: IRX5: BS2

PreventionGenetics, part of Exact Sciences
Classification: Benign for IRX5-related condition. Last evaluated: 2025-02-05. Review status: criteria provided, single submitter. Criteria: ACMG Guidelines, 2015. Collection method: clinical testing. Allele origin: germline.
Comment: This variant is classified as benign based on ACMG/AMP sequence variant interpretation guidelines (Richards et al. 2015 PMID: 25741868, with internal and published modifications).

Labcorp Genetics (formerly Invitae), Labcorp
Classification: Benign. Last evaluated: 2024-07-01. Review status: criteria provided, single submitter. Criteria: Invitae Variant Classification Sherloc (09022015). Collection method: clinical testing. Allele origin: germline.

Breakthrough Genomics
Classification: Benign. Review status: criteria provided, single submitter. Criteria: ACMG Guidelines, 2015. Collection method: not provided. Allele origin: germline. Inheritance: Autosomal recessive inheritance. Affected: yes.